The following is an entry in ClinVar:

ClinVar aggregate classification (germline): Uncertain significance (1 of 4 stars; one submission).

Conditions:
Disseminated atypical mycobacterial infection. Identifiers: MedGen C0694566.

Allele frequency attached by ClinVar (database versions not stated): gnomAD exomes 0.00001 and 0.00003; TOPMed 0.00001; ExAC 0.00003; gnomAD 0.00003; 1000 Genomes Project 30x 0.00016; 1000 Genomes Project 0.00020.
gnomAD v4.1: 19 of 1,613,808 alleles (0.0012%); highest among the groups gnomAD compares: East Asian, 0.02%; no homozygotes.

Submission:

Labcorp Genetics (formerly Invitae), Labcorp
Classification: Uncertain significance for Disseminated atypical mycobacterial infection. Last evaluated: 2025-03-12. Review status: criteria provided, single submitter. Criteria: Invitae Variant Classification Sherloc (09022015). Collection method: clinical testing. Allele origin: germline.
Comment: This sequence change replaces threonine, which is neutral and polar, with methionine, which is neutral and non-polar, at codon 309 of the IFNGR1 protein (p.Thr309Met). This variant is present in population databases (rs560014238, gnomAD 0.04%). This variant has not been reported in the literature in individuals affected with IFNGR1-related conditions. ClinVar contains an entry for this variant (Variation ID: 1525787). Invitae Evidence Modeling of protein sequence and biophysical properties (such as structural, functional, and spatial information, amino acid conservation, physicochemical variation, residue mobility, and thermodynamic stability) indicates that this missense variant is not expected to disrupt IFNGR1 protein function with a negative predictive value of 80%. In summary, the available evidence is currently insufficient to determine the role of this variant in disease. Therefore, it has been classified as a Variant of Uncertain Significance.

NM_000416.3(IFNGR1):c.926C>T (p.Thr309Met)

Gene: IFNGR1 (interferon gamma receptor 1; minus strand). Cytogenetic location: 6q23.3.
Variant type: single nucleotide variant.
Coding change: c.926C>T on transcript NM_000416.3 (MANE Select); coding-DNA position 926, C replaced by T.
Protein change: p.Thr309Met; replaces threonine 309 with methionine.
Molecular consequence: missense variant.
Genome position (GRCh38, 1-based): chr6:137,198,575, G>A on the plus strand (C>T on the coding strand, the complement: IFNGR1 is on the minus strand). VCF-style: chr6-137198575-G-A. GRCh37 (hg19) VCF-style: chr6-137519712-G-A.
Other names: c.896C>T, p.Thr299Met (NM_001363526.1); c.803C>T, p.Thr268Met (NM_001363527.1); short protein forms T268M, T299M, T309M.
Identifiers: ClinVar variation 1525787 (VCV001525787.8), dbSNP rs560014238, ClinGen allele CA4018847.